The following is an entry in ClinVar:

ClinVar aggregate classification (germline): Uncertain significance. Review status: criteria provided, single submitter (1 of 4 stars). 2 submissions from 2 submitters: Uncertain significance (1). 1 of the submissions does not count toward it. Last evaluated 2025-08-30.

Allele frequency attached by ClinVar (database versions not stated): gnomAD exomes 0.00003; ExAC 0.00014; gnomAD 0.00029; ESP Exome Variant Server 0.00046; 1000 Genomes Project 0.00080; 1000 Genomes Project 30x 0.00109.
gnomAD v4.1: 81 of 1,611,596 alleles (0.005%); highest among the groups gnomAD compares: African/African-American, 0.1%; no homozygotes.

Submissions (2):

Ambry Genetics
Classification: Uncertain significance. Last evaluated: 2025-08-30. Review status: criteria provided, single submitter. Criteria: Ambry Variant Classification Scheme 2023. Collection method: clinical testing. Allele origin: germline.

Genetic Services Laboratory, University of Chicago
Classification: Uncertain significance. Last evaluated: 2022-07-28. Review status: no assertion criteria provided. Collection method: clinical testing. Allele origin: germline. Affected: no. Not counted in ClinVar's aggregate classification.
Comment: DNA sequence analysis of the RBBP6 gene demonstrated a sequence change, c.1495G>A, in exon 13 that results in an amino acid change, p.Gly499Ser. This sequence change does not appear to have been previously described in individuals with RBBP6-related disorders. This sequence change has been described in the gnomAD database with a frequency of 0.13% in the African subpopulation (dbSNP rs150662872). The p.Gly499Ser change affects a highly conserved amino acid residue located in a domain of the RBBP6 protein that is not known to be functional. In-silico pathogenicity prediction tools (SIFT, PolyPhen2, Align GVGD, REVEL) provide contradictory results for the p.Gly499Ser substitution. Due to insufficient evidences and the lack of functional studies, the clinical significance of the p.Gly499Ser change remains unknown at this time. Germline heterozygous pathogenic variants in RBBP6 have been associated with an increased susceptibility to myeloproliferative neoplasms (PMID: 26574608).

NM_006910.5(RBBP6):c.1495G>A (p.Gly499Ser)

Gene: RBBP6 (RB binding protein 6, ubiquitin ligase; plus strand). Cytogenetic location: 16p12.1.
Variant type: single nucleotide variant.
Coding change: c.1495G>A on transcript NM_006910.5 (MANE Select); coding-DNA position 1495, G replaced by A.
Protein change: p.Gly499Ser; replaces glycine 499 with serine.
Molecular consequence: missense variant.
Genome position (GRCh38, 1-based): chr16:24,563,639, G>A. VCF-style: chr16-24563639-G-A. GRCh37 (hg19) VCF-style: chr16-24574960-G-A.
Other names: c.1495G>A, p.Gly499Ser (NM_018703.4); short protein forms G499S.
Identifiers: ClinVar variation 2443238 (VCV002443238.3), dbSNP rs150662872, ClinGen allele CA7967376.